The following is an entry in ClinVar:

ClinVar aggregate classification (germline): Uncertain significance (1 of 4 stars; one submission).

Conditions:
Neurodegeneration, childhood-onset, with cerebellar atrophy. Identifiers: MedGen C4748934, MONDO:0032650, OMIM 618276.

Submission:

Clinical Genomics Laboratory, Washington University in St. Louis
Classification: Uncertain significance for Neurodegeneration, childhood-onset, with cerebellar atrophy. Last evaluated: 2026-04-16. Review status: criteria provided, single submitter. Criteria: ACMG Guidelines, 2015. Collection method: clinical testing. Allele origin: germline.
Comment: The AGTPBP1 c.3165G>T (p.Arg1055Ser) variant, to our knowledge, has not been reported in the medical literature. This variant is only observed in 1/1,591,336 alleles in the general population (gnomAD v4.1.0), indicating it is not a common variant. Computational predictors are uncertain as to the impact of this variant on AGTPBP1 function. Due to limited information, and based on ACMG/AMP guidelines for variant interpretation (Richards S et al., PMID: 25741868), the clinical significance of this variant is uncertain at this time.

NM_001330701.2(AGTPBP1):c.3165G>T (p.Arg1055Ser)

Gene: AGTPBP1 (ATP/GTP binding carboxypeptidase 1; minus strand). Cytogenetic location: 9q21.33.
Variant type: single nucleotide variant.
Coding change: c.3165G>T on transcript NM_001330701.2 (MANE Select); coding-DNA position 3165, G replaced by T.
Protein change: p.Arg1055Ser; replaces arginine 1055 with serine.
Molecular consequence: missense variant.
Genome position (GRCh38, 1-based): chr9:85,585,463, C>A on the plus strand (G>T on the coding strand, the complement: AGTPBP1 is on the minus strand). VCF-style: chr9-85585463-C-A. GRCh37 (hg19) VCF-style: chr9-88200378-C-A.
Other names: c.3045G>T, p.Arg1015Ser (NM_015239.3); c.3321G>T, p.Arg1107Ser (NM_001286715.1); c.3201G>T, p.Arg1067Ser (NM_001286717.1); short protein forms R1015S, R1055S, R1067S, R1107S.
Identifiers: ClinVar variation 4879520 (VCV004879520.1).
Genomic context (GRCh38, chr9:85,585,463, plus strand): 5'-TTTCTGTACTTTTATGCATGTTTGAAATTCAAAAACTTATGAATCATCTGTAATAATTAC[C>A]CTGTATCCCGTATCCTCCACAACATCACATGAAGTTGCATTATCATTGGTATGCCACACT-3'
Protein context (NP_001317630.1, residues 1045-1065): SCDVVEDTGY[Arg1055Ser]TLPKILSHIA